The following is an entry in ClinVar:

ClinVar aggregate classification (germline): Pathogenic (3 of 4 stars; one submission).

Conditions:
Breast-ovarian cancer, familial, susceptibility to, 2 (BROVCA2). Also called: BRCA2 Hereditary Breast and Ovarian Cancer. Identifiers: Orphanet 145, MedGen C2675520, MONDO:0012933, OMIM 612555. Disease mechanism: loss of function.

Submission:

Evidence-based Network for the Interpretation of Germline Mutant Alleles (ENIGMA)
Classification: Pathogenic for Breast-ovarian cancer, familial, susceptibility to, 2. Last evaluated: 2016-09-08. Review status: reviewed by expert panel. Criteria: ENIGMA BRCA1/2 Classification Criteria (2015). Collection method: curation. Allele origin: germline.
Comment: Variant allele predicted to encode a truncated non-functional protein.

NM_000059.4(BRCA2):c.1704_1705insG (p.Gln569fs)

Gene: BRCA2 (BRCA2 DNA repair associated; plus strand). Cytogenetic location: 13q13.1.
Variant type: Insertion.
Coding change: c.1704_1705insG on transcript NM_000059.4 (MANE Select); coding-DNA positions 1704 to 1705, G inserted.
Protein change: p.Gln569fs; shifts the reading frame from glutamine 569.
Molecular consequence: frameshift variant.
Genome position: GRCh38 VCF-style: chr13-32333182-A-AG. GRCh37 (hg19) VCF-style: chr13-32907319-A-AG.
Other names: short protein forms Q569fs.
Identifiers: ClinVar variation 254494 (VCV000254494.2), dbSNP rs886038067, ClinGen allele CA10586497.